The following is an entry in ClinVar:

NM_014271.4(IL1RAPL1):c.1136A>G (p.Lys379Arg)

Gene: IL1RAPL1 (interleukin 1 receptor accessory protein like 1; plus strand). Cytogenetic location: Xp21.2.
Variant type: single nucleotide variant.
Coding change: c.1136A>G on transcript NM_014271.4 (MANE Select); coding-DNA position 1136, A replaced by G.
Protein change: p.Lys379Arg; replaces lysine 379 with arginine.
Molecular consequence: missense variant.
Genome position (GRCh38, 1-based): chrX:29,941,729, A>G. VCF-style: chrX-29941729-A-G. GRCh37 (hg19) VCF-style: chrX-29959846-A-G.
Other names: short protein forms K379R.
Identifiers: ClinVar variation 913853 (VCV000913853.15), dbSNP rs138267399, ClinGen allele CA10375536.
Genomic context (GRCh38, chrX:29,941,729, plus strand): 5'-AACTTGCTGGAGGCCTTGGTGCTATACTCTTGCTGCTTGTATGTTTGGTGACCATCTACA[A>G]GTGTTACAAGATAGAAATCATGCTCTTCTACAGGAATCATTTTGGAGCTGAAGAGCTCGA-3'
Protein context (NP_055086.1, residues 369-389): LLLVCLVTIY[Lys379Arg]CYKIEIMLFY

ClinVar aggregate classification (germline): Benign/Likely benign. Review status: criteria provided, multiple submitters, no conflicts (2 of 4 stars). 5 submissions from 5 submitters: Benign (2); Likely benign (2). 1 of the submissions does not count toward it. Last evaluated 2026-01-21.

Conditions:
Inborn genetic diseases. Identifiers: MedGen C0950123, MeSH D030342.
Intellectual developmental disorder, X-linked 21. Also called: Intellectual disability, X-linked 21; MENTAL RETARDATION, X-LINKED 34; Mental retardation, X-linked 21/34. Identifiers: Orphanet 777, MedGen C5551510, MONDO:0010256, OMIM 300143.
IL1RAPL1-related disorder. Also called: IL1RAPL1-related condition.

Allele frequency attached by ClinVar (database versions not stated): gnomAD 0.00036; TOPMed 0.00036; gnomAD exomes 0.00043 and 0.00088; 1000 Genomes Project 30x 0.00104; ESP Exome Variant Server 0.00066; 1000 Genomes Project 0.00079; ExAC 0.00042.
gnomAD v4.1: 1,008 of 1,206,941 alleles (0.084%); highest among the groups gnomAD compares: Non-Finnish European, 0.11%; 1 homozygote.

Submissions (6):

Labcorp Genetics (formerly Invitae), Labcorp
Classification: Likely benign. Last evaluated: 2026-01-21. Review status: criteria provided, single submitter. Criteria: Invitae Variant Classification Sherloc (09022015). Collection method: clinical testing. Allele origin: germline.

GeneDx
Classification: Benign. Last evaluated: 2020-02-13. Review status: criteria provided, single submitter. Criteria: GeneDx Variant Classification Process June 2021. Collection method: clinical testing. Allele origin: germline. Affected: yes.
Comment: This variant is associated with the following publications: (PMID: 21484992, 18801879)

Illumina Laboratory Services, Illumina
Classification: Benign for Intellectual developmental disorder, X-linked 21. Last evaluated: 2018-01-13. Review status: criteria provided, single submitter. Criteria: ICSL Variant Classification Criteria 13 December 2019. Collection method: clinical testing. Allele origin: germline.
Comment: This variant was observed in the ICSL laboratory as part of a predisposition screen in an ostensibly healthy population. It had not been previously curated by ICSL or reported in the Human Gene Mutation Database (HGMD: prior to June 1st, 2018), and was therefore a candidate for classification through an automated scoring system. Utilizing variant allele frequency, disease prevalence and penetrance estimates, and inheritance mode, an automated score was calculated to assess if this variant is too frequent to cause the disease. Based on the score and internal cut-off values, a variant classified as benign is not then subjected to further curation. The score for this variant resulted in a classification of benign for this disease.

Ambry Genetics
Classification: Likely benign for Inborn genetic diseases. Last evaluated: 2017-05-05. Review status: criteria provided, single submitter. Criteria: Ambry Variant Classification Scheme 2023. Collection method: clinical testing. Allele origin: germline.

PreventionGenetics, part of Exact Sciences
Classification: Likely benign for IL1RAPL1-related condition. Last evaluated: 2021-07-19. Review status: no assertion criteria provided. Collection method: clinical testing. Allele origin: germline. Not counted in ClinVar's aggregate classification.
Comment: This variant is classified as likely benign based on ACMG/AMP sequence variant interpretation guidelines (Richards et al. 2015 PMID: 25741868, with internal and published modifications).

Dr. Peter K. Rogan Lab, Western University
No classification provided (evidence only). Condition: Hepatocellular carcinoma. Review status: no classification provided. Collection method: in vitro. Allele origin: not applicable. Functional consequence: retained intron. Not counted in ClinVar's aggregate classification.